The following is an entry in ClinVar:

ClinVar aggregate classification (germline): Uncertain significance (1 of 4 stars; one submission).

Conditions:
Joubert syndrome. Also called: Familial aplasia of the vermis; CEREBELLOPARENCHYMAL DISORDER IV; JOUBERT-BOLTSHAUSER SYNDROME. Identifiers: Orphanet 475, MedGen C5979921, MONDO:0018772.
Meckel-Gruber syndrome. Also called: Dysencephalia splachnocystica; DYSENCEPHALIA SPLANCHNOCYSTICA; GRUBER SYNDROME. Identifiers: Orphanet 564, MedGen C0265215, MONDO:0018921.
Nephronophthisis. Also called: Juvenile Nephronophthisis. Identifiers: Orphanet 655, MedGen C0687120, MONDO:0019005, HP:0000090.

Submission:

Labcorp Genetics (formerly Invitae), Labcorp
Classification: Uncertain significance for Joubert syndrome; Meckel-Gruber syndrome; Nephronophthisis. Last evaluated: 2020-09-24. Review status: criteria provided, single submitter. Criteria: Invitae Variant Classification Sherloc (09022015). Collection method: clinical testing. Allele origin: germline.
Comment: In summary, the available evidence is currently insufficient to determine the role of this variant in disease. Therefore, it has been classified as a Variant of Uncertain Significance. Algorithms developed to predict the effect of missense changes on protein structure and function are either unavailable or do not agree on the potential impact of this missense change (SIFT: "Deleterious"; PolyPhen-2: "Probably Damaging"; Align-GVGD: "Class C0"). This variant has not been reported in the literature in individuals with CEP290-related conditions. This variant is not present in population databases (ExAC no frequency). This sequence change replaces aspartic acid with tyrosine at codon 128 of the CEP290 protein (p.Asp128Tyr). The aspartic acid residue is moderately conserved and there is a large physicochemical difference between aspartic acid and tyrosine.

NM_025114.4(CEP290):c.382G>T (p.Asp128Tyr)

Gene: CEP290 (centrosomal protein 290; minus strand). Cytogenetic location: 12q21.32.
Variant type: single nucleotide variant.
Coding change: c.382G>T on transcript NM_025114.4 (MANE Select); coding-DNA position 382, G replaced by T.
Protein change: p.Asp128Tyr; replaces aspartic acid 128 with tyrosine.
Molecular consequence: missense variant.
Genome position (GRCh38, 1-based): chr12:88,136,702, C>A on the plus strand (G>T on the coding strand, the complement: CEP290 is on the minus strand). VCF-style: chr12-88136702-C-A. GRCh37 (hg19) VCF-style: chr12-88530479-C-A.
Other names: short protein forms D128Y.
Identifiers: ClinVar variation 1002851 (VCV001002851.9), dbSNP rs755112866, ClinGen allele CA385987399.
Genomic context (GRCh38, chr12:88,136,702, plus strand): 5'-CTTGCTCATTAACTTTCTTCTCTTTCTCCAACTCCTTTTCCATGTCCTCCAATTCTCTAT[C>A]TTTTTGTTCTAATTGTTTTTCAAGTTGGCAAATTTCATTACGTAAAAACCGAGTATCTCG-3'
Protein context (NP_079390.3, residues 118-138): CQLEKQLEQK[Asp128Tyr]RELEDMEKEL